The following is an entry in ClinVar:

NM_014874.4(MFN2):c.475-5A>G

Gene: MFN2 (mitofusin 2; plus strand). Cytogenetic location: 1p36.22.
Variant type: single nucleotide variant.
Coding change: c.475-5A>G on transcript NM_014874.4 (MANE Select); 5 bases into the intron before coding-DNA position 475, A replaced by G.
Molecular consequence: intron variant.
Genome position (GRCh38, 1-based): chr1:11,997,292, A>G. VCF-style: chr1-11997292-A-G. GRCh37 (hg19) VCF-style: chr1-12057349-A-G.
Other names: c.475-5A>G (NM_001127660.2).
Identifiers: ClinVar variation 1742862 (VCV001742862.5), dbSNP rs375925656, ClinGen allele CA598844.
Genomic context (GRCh38, chr1:11,997,292, plus strand): 5'-GCACAGGAAATCTCCTGGCCTGGTGGTTCCTCCTCAGCCTCTTTCTTTCCTTCCTCTGCC[A>G]TCAGACTGTGAACCAGCTGGCCCATGCCCTCCACCAGGACAAGCAGCTCCATGCCGGCAG-3'

ClinVar aggregate classification (germline): Conflicting classifications of pathogenicity. Review status: criteria provided, conflicting classifications (1 of 4 stars). 2 submissions from 2 submitters: Uncertain significance (1); Likely benign (1). Last evaluated 2025-08-29.

Conditions:
Inborn genetic diseases. Identifiers: MedGen C0950123, MeSH D030342.
Charcot-Marie-Tooth disease type 2. Also called: Charcot-Marie-Tooth type 2. Identifiers: Orphanet 64746, MedGen C0270914, MONDO:0018993.

Allele frequency attached by ClinVar (database versions not stated): ESP Exome Variant Server 0.00008; ExAC 0.00001; gnomAD exomes below 0.00001; TOPMed 0.00001.

Submissions (2):

Labcorp Genetics (formerly Invitae), Labcorp
Classification: Likely benign for Charcot-Marie-Tooth disease type 2. Last evaluated: 2025-08-29. Review status: criteria provided, single submitter. Criteria: Invitae Variant Classification Sherloc (09022015). Collection method: clinical testing. Allele origin: germline.

Ambry Genetics
Classification: Uncertain significance for Inborn genetic diseases. Last evaluated: 2021-10-12. Review status: criteria provided, single submitter. Criteria: Ambry Variant Classification Scheme 2023. Collection method: clinical testing. Allele origin: germline.
Comment: The c.475-5A>G intronic variant results from an A to G substitution 5 nucleotides upstream from coding exon 4 in the MFN2 gene. This nucleotide position is not well conserved in available vertebrate species. In silico splice site analysis predicts that this alteration will not have any significant effect on splicing. Since supporting evidence is limited at this time, the clinical significance of this alteration remains unclear.